The following is an entry in ClinVar:

NM_206933.4(USH2A):c.11738C>A (p.Ser3913Tyr)

Gene: USH2A (usherin; minus strand). Cytogenetic location: 1q41.
Variant type: single nucleotide variant.
Coding change: c.11738C>A on transcript NM_206933.4 (MANE Select); coding-DNA position 11738, C replaced by A.
Protein change: p.Ser3913Tyr; replaces serine 3913 with tyrosine.
Molecular consequence: missense variant.
Genome position (GRCh38, 1-based): chr1:215,728,358, G>T on the plus strand (C>A on the coding strand, the complement: USH2A is on the minus strand). VCF-style: chr1-215728358-G-T. GRCh37 (hg19) VCF-style: chr1-215901700-G-T.
Other names: short protein forms S3913Y.
Identifiers: ClinVar variation 2012185 (VCV002012185.4), dbSNP rs2465050357, ClinGen allele CA344829778.

ClinVar aggregate classification (germline): Uncertain significance (1 of 4 stars; one submission).

Submission:

Labcorp Genetics (formerly Invitae), Labcorp
Classification: Uncertain significance. Last evaluated: 2022-06-29. Review status: criteria provided, single submitter. Criteria: Invitae Variant Classification Sherloc (09022015). Collection method: clinical testing. Allele origin: germline.
Comment: Algorithms developed to predict the effect of missense changes on protein structure and function (SIFT, PolyPhen-2, Align-GVGD) all suggest that this variant is likely to be tolerated. This variant has not been reported in the literature in individuals affected with USH2A-related conditions. This variant is not present in population databases (gnomAD no frequency). This sequence change replaces serine, which is neutral and polar, with tyrosine, which is neutral and polar, at codon 3913 of the USH2A protein (p.Ser3913Tyr). In summary, the available evidence is currently insufficient to determine the role of this variant in disease. Therefore, it has been classified as a Variant of Uncertain Significance.